The following is an entry in ClinVar:

NM_015910.7(WDPCP):c.*195G>A

Gene: WDPCP (WD repeat containing planar cell polarity effector; minus strand). Cytogenetic location: 2p15.
Variant type: single nucleotide variant.
Coding change: c.*195G>A on transcript NM_015910.7 (MANE Select); 195 bases downstream of the stop codon, G replaced by A.
Molecular consequence: 3 prime UTR variant. On other transcripts: non-coding transcript variant (3).
Genome position (GRCh38, 1-based): chr2:63,121,811, C>T on the plus strand (G>A on the coding strand, the complement: WDPCP is on the minus strand). VCF-style: chr2-63121811-C-T. GRCh37 (hg19) VCF-style: chr2-63348946-C-T.
Other names: c.*195G>A (NM_001042692.3, NM_001354044.2).
Identifiers: ClinVar variation 336754 (VCV000336754.6), dbSNP rs55807617, ClinGen allele CA10615945.

ClinVar aggregate classification (germline): Benign. Review status: criteria provided, multiple submitters, no conflicts (2 of 4 stars). 2 submissions from 2 submitters: Benign (2). Last evaluated 2018-01-13.

Conditions:
Bardet-Biedl syndrome 15 (BBS15). Identifiers: Orphanet 110, MedGen C3150127, MONDO:0014443, OMIM 615992.

Allele frequency attached by ClinVar (database versions not stated): gnomAD exomes 0.00282; gnomAD 0.02711 and 0.02897; 1000 Genomes Project 30x 0.03076; TOPMed 0.03093; 1000 Genomes Project 0.03095.
gnomAD v4.1: 7,667 of 1,323,414 alleles (0.58%); highest among the groups gnomAD compares: African/African-American, 9.1%; 297 homozygotes.

Submissions (2):

Illumina Laboratory Services, Illumina
Classification: Benign for Bardet-Biedl syndrome 15. Last evaluated: 2018-01-13. Review status: criteria provided, single submitter. Criteria: ICSL Variant Classification Criteria 13 December 2019. Collection method: clinical testing. Allele origin: germline.
Comment: This variant was observed in the ICSL laboratory as part of a predisposition screen in an ostensibly healthy population. It had not been previously curated by ICSL or reported in the Human Gene Mutation Database (HGMD: prior to June 1st, 2018), and was therefore a candidate for classification through an automated scoring system. Utilizing variant allele frequency, disease prevalence and penetrance estimates, and inheritance mode, an automated score was calculated to assess if this variant is too frequent to cause the disease. Based on the score and internal cut-off values, a variant classified as benign is not then subjected to further curation. The score for this variant resulted in a classification of benign for this disease.

Breakthrough Genomics
Classification: Benign. Review status: criteria provided, single submitter. Criteria: ACMG Guidelines, 2015. Collection method: not provided. Allele origin: germline. Inheritance: Autosomal recessive inheritance. Affected: yes.